The following is an entry in ClinVar:

ClinVar aggregate classification (germline): Uncertain significance (1 of 4 stars; one submission).

Conditions:
Arthrogryposis, distal, type 2B3. Also called: Arthrogryposis, distal, type 2B3 (Sheldon-Hall). Identifiers: MedGen C5193098, MONDO:0032751, OMIM 618436.

Submission:

MVZ Medizinische Genetik Mainz
Classification: Uncertain significance for Arthrogryposis, distal, type 2B3. Last evaluated: 2025-02-26. Review status: criteria provided, single submitter. Criteria: UK Practice Guidelines For Variant Classification V4 01 2020. Collection method: clinical testing. Allele origin: germline. Inheritance: Autosomal dominant inheritance. Affected: yes. Observed: 1 variant allele.
Comment: ACMG Criteria: PM2_SUP

NM_002470.4(MYH3):c.1220T>C (p.Val407Ala)

Gene: MYH3 (myosin heavy chain 3; minus strand). Cytogenetic location: 17p13.1.
Variant type: single nucleotide variant.
Coding change: c.1220T>C on transcript NM_002470.4 (MANE Select); coding-DNA position 1220, T replaced by C.
Protein change: p.Val407Ala; replaces valine 407 with alanine.
Molecular consequence: missense variant.
Genome position (GRCh38, 1-based): chr17:10,644,624, A>G on the plus strand (T>C on the coding strand, the complement: MYH3 is on the minus strand). VCF-style: chr17-10644624-A-G. GRCh37 (hg19) VCF-style: chr17-10547941-A-G.
Other names: short protein forms V407A.
Identifiers: ClinVar variation 3774585 (VCV003774585.1).